The following is an entry in ClinVar:

NM_014989.7(RIMS1):c.2803T>C (p.Ser935Pro)

Gene: RIMS1 (regulating synaptic membrane exocytosis 1; plus strand). Cytogenetic location: 6q13.
Variant type: single nucleotide variant.
Coding change: c.2803T>C on transcript NM_014989.7 (MANE Select); coding-DNA position 2803, T replaced by C.
Protein change: p.Ser935Pro; replaces serine 935 with proline.
Molecular consequence: missense variant.
Genome position (GRCh38, 1-based): chr6:72,258,157, T>C. VCF-style: chr6-72258157-T-C. GRCh37 (hg19) VCF-style: chr6-72967860-T-C.
Other names: c.2803T>C (NM_014989.4); c.1222T>C, p.Ser408Pro (NM_001168407.2, NM_001350415.2, NM_001350418.2 and 19 more transcripts); c.1225T>C, p.Ser409Pro (NM_001168408.2, NM_001350414.2, NM_001350416.2 and 15 more transcripts); c.982T>C, p.Ser328Pro (NM_001168409.2, NM_001350464.2, NM_001350465.2 and 3 more transcripts); c.1180T>C, p.Ser394Pro (NM_001168410.2, NM_001350470.2, NM_001350473.2 and 1 more transcripts); c.1153T>C, p.Ser385Pro (NM_001350421.2, NM_001350430.2, NM_001350437.2 and 2 more transcripts); c.1156T>C, p.Ser386Pro (NM_001350424.2, NM_001350428.2, NM_001350459.2 and 1 more transcripts); c.979T>C, p.Ser327Pro (NM_001350461.2, NM_001350463.2, NM_001350468.2); and 1 more; short protein forms S393P, S328P, S385P, S408P, S409P, S327P, S386P, S394P.
Identifiers: ClinVar variation 860041 (VCV000860041.10), dbSNP rs370152913, ClinGen allele CA3886037.
Genomic context (GRCh38, chr6:72,258,157, plus strand): 5'-AAATTTTTTCTGTGTGTACTTTTGCCAGTAGGCTATAGGTCTAGTGCTAGAGAAAGTAAA[T>C]CTACAACATTAACTGTGCCAGAACAGCAAAGAACAACTCATCACCGCTCACGTTCAGTAT-3'
Protein context (NP_055804.2, residues 925-945): GYRSSARESK[Ser935Pro]TTLTVPEQQR

ClinVar aggregate classification (germline): Conflicting classifications of pathogenicity. Review status: criteria provided, conflicting classifications (1 of 4 stars). 3 submissions from 3 submitters: Uncertain significance (2); Benign (1). Last evaluated 2025-11-10.

Allele frequency attached by ClinVar (database versions not stated): ESP Exome Variant Server 0.00008; gnomAD exomes 0.00009; ExAC 0.00012; gnomAD 0.00013 and 0.00014; 1000 Genomes Project 0.00020; TOPMed 0.00020; 1000 Genomes Project 30x 0.00031.
gnomAD v4.1: 182 of 1,613,080 alleles (0.011%); highest among the groups gnomAD compares: Admixed American, 0.05%; no homozygotes.

Submissions (3):

Labcorp Genetics (formerly Invitae), Labcorp
Classification: Uncertain significance. Last evaluated: 2025-11-10. Review status: criteria provided, single submitter. Criteria: Invitae Variant Classification Sherloc (09022015). Collection method: clinical testing. Allele origin: germline.
Comment: This sequence change replaces serine, which is neutral and polar, with proline, which is neutral and non-polar, at codon 935 of the RIMS1 protein (p.Ser935Pro). This variant is present in population databases (rs370152913, gnomAD 0.04%), and has an allele count higher than expected for a pathogenic variant. This variant has not been reported in the literature in individuals affected with RIMS1-related conditions. ClinVar contains an entry for this variant (Variation ID: 860041). An algorithm developed to predict the effect of missense changes on protein structure and function outputs the following: PolyPhen-2: "Benign". The proline amino acid residue is found in multiple mammalian species, which suggests that this missense change does not adversely affect protein function. In summary, the available evidence is currently insufficient to determine the role of this variant in disease. Therefore, it has been classified as a Variant of Uncertain Significance.

Blueprint Genetics
Classification: Benign. Last evaluated: 2024-03-21. Review status: criteria provided, single submitter. Criteria: ACMG Guidelines, 2015. Collection method: clinical testing. Allele origin: germline.

Ambry Genetics
Classification: Uncertain significance. Last evaluated: 2023-11-27. Review status: criteria provided, single submitter. Criteria: Ambry Variant Classification Scheme 2023. Collection method: clinical testing. Allele origin: germline.